The following is an entry in ClinVar:

ClinVar aggregate classification (germline): Likely benign. Review status: criteria provided, multiple submitters, no conflicts (2 of 4 stars). 2 submissions from 2 submitters: Likely benign (2). Last evaluated 2025-03-25.

Allele frequency attached by ClinVar (database versions not stated): gnomAD exomes 0.00001.
gnomAD v4.1: 7 of 1,551,838 alleles (0.00045%); highest among the groups gnomAD compares: East Asian, 0.0024%; no homozygotes.

Submissions (2):

Labcorp Genetics (formerly Invitae), Labcorp
Classification: Likely benign. Last evaluated: 2025-03-25. Review status: criteria provided, single submitter. Criteria: Invitae Variant Classification Sherloc (09022015). Collection method: clinical testing. Allele origin: germline.

Women's Health and Genetics/Laboratory Corporation of America, LabCorp
Classification: Likely benign. Last evaluated: 2024-03-04. Review status: criteria provided, single submitter. Criteria: LabCorp Variant Classification Summary - May 2015. Collection method: clinical testing. Allele origin: germline.
Comment: Variant summary: CHD8 c.7644T>C alters a conserved nucleotide resulting in a synonymous change. Consensus agreement among computation tools predict no significant impact on normal splicing. However, these predictions have yet to be confirmed by functional studies. The variant allele was found at a frequency of 6.3e-06 in 158010 control chromosomes (gnomAD). The available data on variant occurrences in the general population are insufficient to allow any conclusion about variant significance. To our knowledge, no occurrence of c.7644T>C in individuals affected with CHD8-Related Disorders and no experimental evidence demonstrating its impact on protein function have been reported. No submitters have cited clinical-significance assessments for this variant to ClinVar. Based on the evidence outlined above, the variant was classified as likely benign.

NM_001170629.2(CHD8):c.7644T>C (p.Asp2548=)

Gene: CHD8 (chromodomain helicase DNA binding protein 8; minus strand). Cytogenetic location: 14q11.2.
Variant type: single nucleotide variant.
Coding change: c.7644T>C on transcript NM_001170629.2 (MANE Select); coding-DNA position 7644, T replaced by C.
Protein change: p.Asp2548=; no amino-acid change (aspartic acid 2548 retained).
Molecular consequence: synonymous variant.
Genome position (GRCh38, 1-based): chr14:21,385,715, A>G on the plus strand (T>C on the coding strand, the complement: CHD8 is on the minus strand). VCF-style: chr14-21385715-A-G. GRCh37 (hg19) VCF-style: chr14-21853874-A-G.
Other names: c.6807T>C, p.Asp2269= (NM_020920.4).
Identifiers: ClinVar variation 3233664 (VCV003233664.3), dbSNP rs1208988746, ClinGen allele CA484993317.